The following is an entry in ClinVar:

NM_020866.3(KLHL1):c.372A>C (p.Ser124=)

Gene: KLHL1 (kelch like family member 1; minus strand). Cytogenetic location: 13q21.33.
Variant type: single nucleotide variant.
Coding change: c.372A>C on transcript NM_020866.3 (MANE Select); coding-DNA position 372, A replaced by C.
Protein change: p.Ser124=; no amino-acid change (serine 124 retained).
Molecular consequence: synonymous variant.
Genome position (GRCh38, 1-based): chr13:70,107,328, T>G on the plus strand (A>C on the coding strand, the complement: KLHL1 is on the minus strand). VCF-style: chr13-70107328-T-G. GRCh37 (hg19) VCF-style: chr13-70681460-T-G.
Other names: c.372A>C, p.Ser124= (NM_001286725.2).
Identifiers: ClinVar variation 790680 (VCV000790680.5), dbSNP rs75569924, ClinGen allele CA6999514.

ClinVar aggregate classification (germline): Benign. Review status: criteria provided, single submitter (1 of 4 stars). 2 submissions from 2 submitters: Benign (1). 1 of the submissions does not count toward it. Last evaluated 2017-08-03.

Conditions:
KLHL1-related disorder. Also called: KLHL1-related condition.

Allele frequency attached by ClinVar (database versions not stated): ExAC 0.00075; gnomAD 0.00230 and 0.00244; 1000 Genomes Project 30x 0.00297; gnomAD exomes 0.00058 and 0.00023; TOPMed 0.00250; ESP Exome Variant Server 0.00277; 1000 Genomes Project 0.00319.
gnomAD v4.1: 708 of 1,614,158 alleles (0.044%); highest among the groups gnomAD compares: African/African-American, 0.8%; 2 homozygotes.

Submissions (2):

Labcorp Genetics (formerly Invitae), Labcorp
Classification: Benign. Last evaluated: 2017-08-03. Review status: criteria provided, single submitter. Criteria: Invitae Variant Classification Sherloc (09022015). Collection method: clinical testing. Allele origin: germline.

PreventionGenetics, part of Exact Sciences
Classification: Benign for KLHL1-related condition. Last evaluated: 2020-08-28. Review status: no assertion criteria provided. Collection method: clinical testing. Allele origin: germline. Not counted in ClinVar's aggregate classification.
Comment: This variant is classified as benign based on ACMG/AMP sequence variant interpretation guidelines (Richards et al. 2015 PMID: 25741868, with internal and published modifications).